The following is an entry in ClinVar:

NM_177924.5(ASAH1):c.216+6C>G

Gene: ASAH1 (N-acylsphingosine amidohydrolase 1; minus strand). Cytogenetic location: 8p22.
Variant type: single nucleotide variant.
Coding change: c.216+6C>G on transcript NM_177924.5 (MANE Select); 6 bases into the intron after coding-DNA position 216, C replaced by G.
Molecular consequence: intron variant.
Genome position (GRCh38, 1-based): chr8:18,071,294, G>C on the plus strand (C>G on the coding strand, the complement: ASAH1 is on the minus strand). VCF-style: chr8-18071294-G-C. GRCh37 (hg19) VCF-style: chr8-17928803-G-C.
Other names: c.264+6C>G (NM_004315.6); c.285+6C>G (NM_001127505.3); c.21+6C>G (NM_001363743.2).
Identifiers: ClinVar variation 1012591 (VCV001012591.40), dbSNP rs1267356970, ClinGen allele CA580093259.
Genomic context (GRCh38, chr8:18,071,294, plus strand): 5'-TAAAAATAAAGAAATAAAATAAAAAATAAAAATAAAGAAATAAAAGATTTAAGCATCATA[G>C]CATACCACTGGTGCCTTGTCAAGCATCAATTCATGCCATCTTTTGTAGGGTGGTAAGTCA-3'

ClinVar aggregate classification (germline): Conflicting classifications of pathogenicity. Review status: criteria provided, conflicting classifications (1 of 4 stars). 2 submissions from 2 submitters: Uncertain significance (1); Likely benign (1). Last evaluated 2022-08-16.

Allele frequency attached by ClinVar (database versions not stated): gnomAD exomes below 0.00001; gnomAD 0.00001; TOPMed 0.00001.
gnomAD v4.1: 3 of 1,518,932 alleles (0.0002%); highest among the groups gnomAD compares: African/African-American, 0.0014%; no homozygotes.

Submissions (2):

Labcorp Genetics (formerly Invitae), Labcorp
Classification: Uncertain significance. Last evaluated: 2022-08-16. Review status: criteria provided, single submitter. Criteria: Invitae Variant Classification Sherloc (09022015). Collection method: clinical testing. Allele origin: germline.
Comment: This sequence change falls in intron 3 of the ASAH1 gene. It does not directly change the encoded amino acid sequence of the ASAH1 protein. It affects a nucleotide within the consensus splice site. This variant is present in population databases (no rsID available, gnomAD 0.002%). This variant has not been reported in the literature in individuals affected with ASAH1-related conditions. ClinVar contains an entry for this variant (Variation ID: 1012591). Variants that disrupt the consensus splice site are a relatively common cause of aberrant splicing (PMID: 17576681, 9536098). Algorithms developed to predict the effect of sequence changes on RNA splicing suggest that this variant may create or strengthen a splice site. In summary, the available evidence is currently insufficient to determine the role of this variant in disease. Therefore, it has been classified as a Variant of Uncertain Significance.

CeGaT Center for Human Genetics Tuebingen
Classification: Likely benign. Last evaluated: 2020-10-01. Review status: criteria provided, single submitter. Criteria: CeGaT Center For Human Genetics Tuebingen Variant Classification Criteria Version 2. Collection method: clinical testing. Allele origin: germline. Affected: yes. Observed: 1 variant allele.

Literature cited by the submitters: PubMed 17576681 (cited by Labcorp Genetics (formerly Invitae), Labcorp); PubMed 9536098 (cited by Labcorp Genetics (formerly Invitae), Labcorp).